The following is an entry in ClinVar:

NM_198578.4(LRRK2):c.2169C>G (p.Ile723Met)

Gene: LRRK2 (leucine rich repeat kinase 2; plus strand). Cytogenetic location: 12q12.
Variant type: single nucleotide variant.
Coding change: c.2169C>G on transcript NM_198578.4 (MANE Select); coding-DNA position 2169, C replaced by G.
Protein change: p.Ile723Met; replaces isoleucine 723 with methionine.
Molecular consequence: missense variant.
Genome position (GRCh38, 1-based): chr12:40,278,189, C>G. VCF-style: chr12-40278189-C-G. GRCh37 (hg19) VCF-style: chr12-40671991-C-G.
Other names: short protein forms I723M.
Identifiers: ClinVar variation 2624880 (VCV002624880.2), dbSNP rs2499639092, ClinGen allele CA384405181.

ClinVar aggregate classification (germline): Uncertain significance (1 of 4 stars; one submission).

Conditions:
Inborn genetic diseases. Identifiers: MedGen C0950123, MeSH D030342.

Submission:

Ambry Genetics
Classification: Uncertain significance for Inborn genetic diseases. Last evaluated: 2023-07-05. Review status: criteria provided, single submitter. Criteria: Ambry Variant Classification Scheme 2023. Collection method: clinical testing. Allele origin: germline.
Comment: The p.I723M variant (also known as c.2169C>G), located in coding exon 18 of the LRRK2 gene, results from a C to G substitution at nucleotide position 2169. The isoleucine at codon 723 is replaced by methionine, an amino acid with highly similar properties. This amino acid position is conserved. In addition, this alteration is predicted to be tolerated by in silico analysis. Since supporting evidence is limited at this time, the clinical significance of this alteration remains unclear.